The following is an entry in ClinVar:

ClinVar aggregate classification (germline): Uncertain significance (1 of 4 stars; one submission).

Conditions:
EP300-related disorder. Also called: EP300-related condition; EP300-related disorders.

gnomAD v4.1: 19 of 1,614,054 alleles (0.0012%); highest among the groups gnomAD compares: Non-Finnish European, 0.0016%; no homozygotes.

Submission:

PreventionGenetics, part of Exact Sciences
Classification: Uncertain significance for EP300-related condition. Last evaluated: 2026-07-31. Review status: criteria provided, single submitter. Criteria: ACMG Guidelines, 2015. Collection method: clinical testing. Allele origin: germline.
Comment: The EP300 c.5717C>T variant is predicted to result in the amino acid substitution p.Thr1906Ile. This variant has been reported in a cohort study of congenital heart disease (Table S4, Sierant et al. 2025. PubMed ID: 40127276). This variant is reported in 0.0053% of alleles in individuals of European (Non-Finnish) descent in gnomAD. At this time, the clinical significance of this variant is uncertain due to the absence of conclusive functional and genetic evidence.

NM_001429.4(EP300):c.5717C>T (p.Thr1906Ile)

Gene: EP300 (EP300 lysine acetyltransferase; plus strand). Cytogenetic location: 22q13.2.
Variant type: single nucleotide variant.
Coding change: c.5717C>T on transcript NM_001429.4 (MANE Select); coding-DNA position 5717, C replaced by T.
Protein change: p.Thr1906Ile; replaces threonine 1906 with isoleucine.
Molecular consequence: missense variant.
Genome position (GRCh38, 1-based): chr22:41,177,428, C>T. VCF-style: chr22-41177428-C-T. GRCh37 (hg19) VCF-style: chr22-41573432-C-T.
Other names: c.5639C>T, p.Thr1880Ile (NM_001362843.2); short protein forms T1880I, T1906I.
Identifiers: ClinVar variation 3358086 (VCV003358086.2).